The following is an entry in ClinVar:

ClinVar aggregate classification (germline): Benign/Likely benign. Review status: criteria provided, multiple submitters, no conflicts (2 of 4 stars). 8 submissions from 8 submitters: Benign (3); Likely benign (5). Last evaluated 2026-07-01.

Conditions:
Hereditary cancer-predisposing syndrome. Also called: Hereditary neoplastic syndrome; Hereditary Cancer Syndrome; Neoplastic Syndromes, Hereditary; Tumor predisposition. Identifiers: Orphanet 140162, MedGen C0027672, MeSH D009386, MONDO:0015356.
Neuroblastoma, susceptibility to, 3. Also called: ALK-Related Neuroblastic Tumor Susceptibility. Identifiers: Orphanet 635, MedGen C2751681, MONDO:0013083, OMIM 613014.

Allele frequency attached by ClinVar (database versions not stated): 1000 Genomes Project 30x 0.00016; 1000 Genomes Project 0.00020; ExAC 0.00038; gnomAD 0.00048 and 0.00053; gnomAD exomes 0.00051; ESP Exome Variant Server 0.00054; TOPMed 0.00054.
gnomAD v4.1: 432 of 1,614,146 alleles (0.027%); highest among the groups gnomAD compares: African/African-American, 0.077%; no homozygotes.

Submissions (8):

CeGaT Center for Human Genetics Tuebingen
Classification: Likely benign. Last evaluated: 2026-07-01. Review status: criteria provided, single submitter. Criteria: CeGaT Center For Human Genetics Tuebingen Variant Classification Criteria Version 2. Collection method: clinical testing. Allele origin: germline. Affected: yes. Observed: 1 variant allele.
Comment: ALK: BP4

Labcorp Genetics (formerly Invitae), Labcorp
Classification: Benign for Neuroblastoma, susceptibility to, 3. Last evaluated: 2026-02-03. Review status: criteria provided, single submitter. Criteria: Invitae Variant Classification Sherloc (09022015). Collection method: clinical testing. Allele origin: germline.

Blueprint Genetics
Classification: Likely benign. Last evaluated: 2024-08-29. Review status: criteria provided, single submitter. Criteria: ACMG Guidelines, 2015. Collection method: clinical testing. Allele origin: germline.

Ambry Genetics
Classification: Benign for Hereditary cancer-predisposing syndrome. Last evaluated: 2024-08-20. Review status: criteria provided, single submitter. Criteria: Ambry Variant Classification Scheme 2023. Collection method: clinical testing. Allele origin: germline.

Sema4
Classification: Benign for Hereditary cancer-predisposing syndrome. Last evaluated: 2021-04-28. Review status: criteria provided, single submitter. Criteria: Sema4 Curation Guidelines. Collection method: curation. Allele origin: germline.

Illumina Laboratory Services, Illumina
Classification: Likely benign for Neuroblastoma, susceptibility to, 3. Last evaluated: 2018-01-13. Review status: criteria provided, single submitter. Criteria: ICSL Variant Classification Criteria 13 December 2019. Collection method: clinical testing. Allele origin: germline.
Comment: This variant was observed in the ICSL laboratory as part of a predisposition screen in an ostensibly healthy population. It had not been previously curated by ICSL or reported in the Human Gene Mutation Database (HGMD: prior to June 1st, 2018), and was therefore a candidate for classification through an automated scoring system. Utilizing variant allele frequency, disease prevalence and penetrance estimates, and inheritance mode, an automated score was calculated to assess if this variant is too frequent to cause the disease. Based on the score and internal cut-off values, a variant classified as likely benign is not then subjected to further curation. The score for this variant resulted in a classification of likely benign for this disease.

GeneDx
Classification: Likely benign. Last evaluated: 2017-12-29. Review status: criteria provided, single submitter. Criteria: GeneDx Variant Classification (06012015). Collection method: clinical testing. Allele origin: germline. Affected: yes.
Comment: This variant is considered likely benign or benign based on one or more of the following criteria: it is a conservative change, it occurs at a poorly conserved position in the protein, it is predicted to be benign by multiple in silico algorithms, and/or has population frequency not consistent with disease.

Breakthrough Genomics
Classification: Likely benign. Review status: criteria provided, single submitter. Criteria: ACMG Guidelines, 2015. Collection method: not provided. Allele origin: germline. Inheritance: Unknown mechanism. Affected: yes.

NM_004304.5(ALK):c.1234C>T (p.Arg412Cys)

Gene: ALK (ALK receptor tyrosine kinase; minus strand). Cytogenetic location: 2p23.2.
Variant type: single nucleotide variant.
Coding change: c.1234C>T on transcript NM_004304.5 (MANE Select); coding-DNA position 1234, C replaced by T.
Protein change: p.Arg412Cys; replaces arginine 412 with cysteine.
Molecular consequence: missense variant.
Genome position (GRCh38, 1-based): chr2:29,383,780, G>A on the plus strand (C>T on the coding strand, the complement: ALK is on the minus strand). VCF-style: chr2-29383780-G-A. GRCh37 (hg19) VCF-style: chr2-29606646-G-A.
Other names: short protein forms R412C.
Identifiers: ClinVar variation 239794 (VCV000239794.20), dbSNP rs147102592, ClinGen allele CA1594714.